The following is an entry in ClinVar:

ClinVar aggregate classification (germline): Uncertain significance. Review status: criteria provided, multiple submitters, no conflicts (2 of 4 stars). 2 submissions from 2 submitters: Uncertain significance (2). Last evaluated 2025-10-22.

Conditions:
Inborn genetic diseases. Identifiers: MedGen C0950123, MeSH D030342.

Allele frequency attached by ClinVar (database versions not stated): TOPMed below 0.00001.
gnomAD v4.1: 20 of 1,613,800 alleles (0.0012%); highest among the groups gnomAD compares: East Asian, 0.0022%; no homozygotes.

Submissions (2):

Ambry Genetics
Classification: Uncertain significance for Inborn genetic diseases. Last evaluated: 2025-10-22. Review status: criteria provided, single submitter. Criteria: Ambry Variant Classification Scheme 2023. Collection method: clinical testing. Allele origin: germline.

Labcorp Genetics (formerly Invitae), Labcorp
Classification: Uncertain significance. Last evaluated: 2022-04-03. Review status: criteria provided, single submitter. Criteria: Invitae Variant Classification Sherloc (09022015). Collection method: clinical testing. Allele origin: germline.
Comment: This sequence change replaces arginine, which is basic and polar, with cysteine, which is neutral and slightly polar, at codon 466 of the FARSB protein (p.Arg466Cys). This variant is present in population databases (rs766030802, gnomAD 0.004%). This variant has not been reported in the literature in individuals affected with FARSB-related conditions. Algorithms developed to predict the effect of missense changes on protein structure and function (SIFT, PolyPhen-2, Align-GVGD) all suggest that this variant is likely to be disruptive. In summary, the available evidence is currently insufficient to determine the role of this variant in disease. Therefore, it has been classified as a Variant of Uncertain Significance.

NM_005687.5(FARSB):c.1396C>T (p.Arg466Cys)

Gene: FARSB (phenylalanyl-tRNA synthetase subunit beta; minus strand). Cytogenetic location: 2q36.1.
Variant type: single nucleotide variant.
Coding change: c.1396C>T on transcript NM_005687.5 (MANE Select); coding-DNA position 1396, C replaced by T.
Protein change: p.Arg466Cys; replaces arginine 466 with cysteine.
Molecular consequence: missense variant. On other transcripts: non-coding transcript variant (1).
Genome position (GRCh38, 1-based): chr2:222,613,877, G>A on the plus strand (C>T on the coding strand, the complement: FARSB is on the minus strand). VCF-style: chr2-222613877-G-A. GRCh37 (hg19) VCF-style: chr2-223478596-G-A.
Other names: c.1396C>T (NM_005687.3); short protein forms R466C.
Identifiers: ClinVar variation 2191082 (VCV002191082.5), dbSNP rs766030802, ClinGen allele CA2136359.